The following is an entry in ClinVar:

ClinVar aggregate classification (germline): Uncertain significance (1 of 4 stars; one submission).

Allele frequency attached by ClinVar (database versions not stated): ExAC 0.00001; gnomAD 0.00001; gnomAD exomes 0.00001; TOPMed 0.00002; ESP Exome Variant Server 0.00008.
gnomAD v4.1: 9 of 1,613,718 alleles (0.00056%); highest among the groups gnomAD compares: South Asian, 0.0022%; no homozygotes.

Submission:

Labcorp Genetics (formerly Invitae), Labcorp
Classification: Uncertain significance. Last evaluated: 2022-04-20. Review status: criteria provided, single submitter. Criteria: Invitae Variant Classification Sherloc (09022015). Collection method: clinical testing. Allele origin: germline.
Comment: In summary, the available evidence is currently insufficient to determine the role of this variant in disease. Therefore, it has been classified as a Variant of Uncertain Significance. This sequence change replaces arginine, which is basic and polar, with tryptophan, which is neutral and slightly polar, at codon 195 of the SMARCD2 protein (p.Arg195Trp). This variant is present in population databases (rs369172358, gnomAD 0.007%). This variant has not been reported in the literature in individuals affected with SMARCD2-related conditions. Algorithms developed to predict the effect of missense changes on protein structure and function (SIFT, PolyPhen-2, Align-GVGD) all suggest that this variant is likely to be disruptive.

NM_001098426.2(SMARCD2):c.583C>T (p.Arg195Trp)

Gene: SMARCD2 (SWI/SNF related BAF chromatin remodeling complex subunit D2; minus strand). Cytogenetic location: 17q23.3.
Variant type: single nucleotide variant.
Coding change: c.583C>T on transcript NM_001098426.2 (MANE Select); coding-DNA position 583, C replaced by T.
Protein change: p.Arg195Trp; replaces arginine 195 with tryptophan.
Molecular consequence: missense variant.
Genome position (GRCh38, 1-based): chr17:63,835,552, G>A on the plus strand (C>T on the coding strand, the complement: SMARCD2 is on the minus strand). VCF-style: chr17-63835552-G-A. GRCh37 (hg19) VCF-style: chr17-61912912-G-A.
Other names: c.358C>T, p.Arg120Trp (NM_001330439.1); c.439C>T, p.Arg147Trp (NM_001330440.2); short protein forms R195W, R120W, R147W.
Identifiers: ClinVar variation 1962199 (VCV001962199.5), dbSNP rs369172358, ClinGen allele CA8706433.